The following is an entry in ClinVar:

ClinVar aggregate classification (germline): Uncertain significance (1 of 4 stars; one submission).

Allele frequency attached by ClinVar (database versions not stated): gnomAD exomes 0.00001; TOPMed 0.00001; gnomAD 0.00002; ExAC 0.00005.
gnomAD v4.1: 17 of 1,614,076 alleles (0.0011%); highest among the groups gnomAD compares: Admixed American, 0.013%; no homozygotes.

Submission:

Ambry Genetics
Classification: Uncertain significance. Last evaluated: 2023-09-29. Review status: criteria provided, single submitter. Criteria: Ambry Variant Classification Scheme 2023. Collection method: clinical testing. Allele origin: germline.
Comment: The p.A128T variant (also known as c.382G>A), located in coding exon 5 of the RAD54L gene, results from a G to A substitution at nucleotide position 382. The alanine at codon 128 is replaced by threonine, an amino acid with similar properties. This amino acid position is conserved. In addition, the in silico prediction for this alteration is inconclusive. Since supporting evidence is limited at this time, the clinical significance of this alteration remains unclear.

NM_003579.4(RAD54L):c.382G>A (p.Ala128Thr)

Gene: RAD54L (RAD54 like; plus strand). Cytogenetic location: 1p34.1.
Variant type: single nucleotide variant.
Coding change: c.382G>A on transcript NM_003579.4 (MANE Select); coding-DNA position 382, G replaced by A.
Protein change: p.Ala128Thr; replaces alanine 128 with threonine.
Molecular consequence: missense variant. On other transcripts: 5 prime UTR variant (1).
Genome position (GRCh38, 1-based): chr1:46,260,074, G>A. VCF-style: chr1-46260074-G-A. GRCh37 (hg19) VCF-style: chr1-46725746-G-A.
Other names: c.382G>A, p.Ala128Thr (NM_001142548.2); c.-159G>A (NM_001370766.1); short protein forms A128T.
Identifiers: ClinVar variation 1735335 (VCV001735335.2), dbSNP rs759738884, ClinGen allele CA834227.